The following is an entry in ClinVar:

NM_030665.4(RAI1):c.1086G>A (p.Pro362=)

Gene: RAI1 (retinoic acid induced 1; plus strand). Cytogenetic location: 17p11.2.
Variant type: single nucleotide variant.
Coding change: c.1086G>A on transcript NM_030665.4 (MANE Select); coding-DNA position 1086, G replaced by A.
Protein change: p.Pro362=; no amino-acid change (proline 362 retained).
Molecular consequence: synonymous variant.
Genome position (GRCh38, 1-based): chr17:17,794,034, G>A. VCF-style: chr17-17794034-G-A. GRCh37 (hg19) VCF-style: chr17-17697348-G-A.
Identifiers: ClinVar variation 1586509 (VCV001586509.12), dbSNP rs540259350, ClinGen allele CA8418268.

ClinVar aggregate classification (germline): Likely benign. Review status: criteria provided, multiple submitters, no conflicts (2 of 4 stars). 3 submissions from 3 submitters: Likely benign (2). 1 of the submissions does not count toward it. Last evaluated 2025-11-12.

Conditions:
RAI1-related disorder. Also called: RAI1-related condition.
Inborn genetic diseases. Identifiers: MedGen C0950123, MeSH D030342.

Allele frequency attached by ClinVar (database versions not stated): ExAC 0.00001; gnomAD 0.00001 and 0.00002; gnomAD exomes 0.00001 and 0.00002; TOPMed 0.00003; 1000 Genomes Project 0.00020; 1000 Genomes Project 30x 0.00031.

Submissions (3):

Labcorp Genetics (formerly Invitae), Labcorp
Classification: Likely benign. Last evaluated: 2025-11-12. Review status: criteria provided, single submitter. Criteria: Invitae Variant Classification Sherloc (09022015). Collection method: clinical testing. Allele origin: germline.

Ambry Genetics
Classification: Likely benign for Inborn genetic diseases. Last evaluated: 2018-01-18. Review status: criteria provided, single submitter. Criteria: Ambry Variant Classification Scheme 2023. Collection method: clinical testing. Allele origin: germline.

PreventionGenetics, part of Exact Sciences
Classification: Likely benign for RAI1-related condition. Last evaluated: 2019-12-30. Review status: no assertion criteria provided. Collection method: clinical testing. Allele origin: germline. Not counted in ClinVar's aggregate classification.
Comment: This variant is classified as likely benign based on ACMG/AMP sequence variant interpretation guidelines (Richards et al. 2015 PMID: 25741868, with internal and published modifications).